The following is an entry in ClinVar:

NM_176787.5(PIGN):c.1688dup (p.Tyr564fs)

Gene: PIGN (phosphatidylinositol glycan anchor biosynthesis class N; minus strand). Cytogenetic location: 18q21.33.
Variant type: Duplication.
Coding change: c.1688dup on transcript NM_176787.5 (MANE Select); coding-DNA position 1688, one base duplicated (T; older notation c.1688dupT).
Protein change: p.Tyr564fs; shifts the reading frame from tyrosine 564.
Molecular consequence: frameshift variant.
Genome position (GRCh38, 1-based): chr18:62,106,868, A duplicated on the plus strand (T on the coding strand, the reverse complement: PIGN is on the minus strand); the first of 6 consecutive A bases (chr18:62,106,868-62,106,873); duplicating any one gives the same sequence. VCF-style (leftmost placement, unchanged base first): chr18-62106867-G-GA. GRCh37 (hg19) VCF-style: chr18-59774100-G-GA.
Other names: c.1688dup, p.Tyr564fs (NM_012327.6); c.1688dupT (NM_176787.4); short protein forms Y564fs.
Identifiers: ClinVar variation 641992 (VCV000641992.6), dbSNP rs768557691, ClinGen allele CA8982202.
Genomic context (GRCh38, chr18:62,106,867, plus strand): 5'-CCGAGTGAGAAATGGCCAAGCTGCAAAGGCAGTAAGTCCAGCGGTAAGCATATAGCGGTA[G>GA]AAAAAACTGAGAACCTAGTAATGCATTCCAAAGAAGGAATGAAAAATAAGGTCATTTAAT-3'

ClinVar aggregate classification (germline): Pathogenic (1 of 4 stars; one submission).

Conditions:
Multiple congenital anomalies-hypotonia-seizures syndrome 1 (MCAHS1). Also called: PIGN-CDG; Congenital disorder of glycosylation due to PIGN deficiency; GLYCOSYLPHOSPHATIDYLINOSITOL BIOSYNTHESIS DEFECT 3. Identifiers: Orphanet 280633, MedGen C3279775, MONDO:0013563, OMIM 614080.

Submission:

Labcorp Genetics (formerly Invitae), Labcorp
Classification: Pathogenic for Multiple congenital anomalies-hypotonia-seizures syndrome 1. Last evaluated: 2025-01-27. Review status: criteria provided, single submitter. Criteria: Invitae Variant Classification Sherloc (09022015). Collection method: clinical testing. Allele origin: germline.
Comment: This sequence change creates a premature translational stop signal (p.Tyr564Leufs*81) in the PIGN gene. It is expected to result in an absent or disrupted protein product. Loss-of-function variants in PIGN are known to be pathogenic (PMID: 24253414, 27038415). The frequency data for this variant in the population databases is considered unreliable, as metrics indicate poor data quality at this position in the gnomAD database. This variant has not been reported in the literature in individuals affected with PIGN-related conditions. ClinVar contains an entry for this variant (Variation ID: 641992). For these reasons, this variant has been classified as Pathogenic.

Literature cited by the submitters: PubMed 24253414; PubMed 27038415.